The following is an entry in ClinVar:

ClinVar aggregate classification (germline): Pathogenic (1 of 4 stars; one submission).

Submission:

Quest Diagnostics Nichols Institute San Juan Capistrano
Classification: Pathogenic. Last evaluated: 2024-02-27. Review status: criteria provided, single submitter. Criteria: ACMG/ClinGen CNV Guidelines, 2019. Collection method: clinical testing. Allele origin: unknown.
Comment: This loss involves at least 20 protein-coding genes, including SETD1A (OMIM 611052) and STX1B (OMIM 601485). Haploinsufficiency of SETD1A is associated with schizophrenia (CCID:007830) and pathogenic variants of SETD1A are associated with autosomal dominant neurodevelopmental disorder with speech impairment and dysmorphic facies (NEDSID; OMIM 619056; D’Gama 2022, Kummeling 2021, Lee 2023, Reis 2023, Singh 2016, Takata 2014). Full deletions of STX1B have been reported in individuals with seizures and/or mild intellectual disability (Borlot 2019, Truty 2019). Further, there are no similar copy number losses of this region in the general populations of the Database of Genomic Variants. Therefore, this copy number variant (CNV) is classified as pathogenic. References: Borlot et al., Epilepsia. 2019 Aug;60(8):1661-1669. PMID: 31273778; D’Gama et al., NPJ Genom Med. 2022 Sep 5;7(1):51. PMID: 36064943; Kummeling et al., Mol Psychiatry. 2021 Jun;26(6):2013-2024. PMID: 32346159; Lee et al., Hum Mol Genet. 2023 Nov 3;32(22):3123-3134. PMID: 37166351; Reis et al., Genes (Basel). 2023 Jan 14;14(1):216. PMID: 36672956; Singh et al., Nat Neurosci. 2016 Apr;19(4):571-7. PMID: 26974950; Takata et al., Neuron. 2014 May 21;82(4):773-80. PMID: 24853937; Truty et al., Epilepsia Open. 2019 Jul 1;4(3):397-408. PMID: 31440721

GRCh37/hg19 16p11.2(chr16:30907349-31334236)x1

Genes: BCKDK (branched chain keto acid dehydrogenase kinase; plus strand), CTF1 (cardiotrophin 1; plus strand), FBXL19 (F-box and leucine rich repeat protein 19; plus strand), FUS (FUS RNA binding protein; plus strand), HSD3B7 (hydroxy-delta-5-steroid dehydrogenase, 3 beta- and steroid delta-isomerase 7; plus strand) and 15 more. Cytogenetic location: 16p11.2.
Variant type: copy number loss.
Change: copy number 1 (one copy instead of two) of chr16:30,907,349-31,334,236 (426.9 kb, GRCh37 coordinates, 1-based), cytogenetic band 16p11.2.
Identifiers: ClinVar variation 3391930 (VCV003391930.1).